The following is an entry in ClinVar:

NM_033380.3(COL4A5):c.3584del (p.Pro1195fs)

Gene: COL4A5 (collagen type IV alpha 5 chain; plus strand). Cytogenetic location: Xq22.3.
Variant type: Deletion.
Coding change: c.3584del on transcript NM_033380.3 (MANE Select); coding-DNA position 3584, one base deleted (C; older notation c.3584delC).
Protein change: p.Pro1195fs; shifts the reading frame from proline 1195.
Molecular consequence: frameshift variant.
Genome position (GRCh38, 1-based): chrX:108,667,163, C deleted; the last of 5 consecutive C bases (chrX:108,667,159-108,667,163); deleting any one gives the same sequence. VCF-style (leftmost placement, unchanged base first): chrX-108667158-AC-A. GRCh37 (hg19) VCF-style: chrX-107910388-AC-A.
Other names: c.3584del, p.Pro1195fs (NM_000495.5); short protein forms P1195fs.
Identifiers: ClinVar variation 3338392 (VCV003338392.1).

ClinVar aggregate classification (germline): Pathogenic (1 of 4 stars; one submission).

Conditions:
X-linked Alport syndrome (ATS1). Also called: COL4A5-Related Nephropathy; NEPHROPATHY AND DEAFNESS, X-LINKED. Identifiers: Orphanet 63, Orphanet 88917, MedGen C4746986, MONDO:0010520, OMIM 301050.

Submission:

MVZ Medizinische Genetik Mainz
Classification: Pathogenic for X-linked Alport syndrome. Last evaluated: 2024-07-31. Review status: criteria provided, single submitter. Criteria: UK Practice Guidelines For Variant Classification V4 01 2020. Collection method: clinical testing. Allele origin: germline. Inheritance: X-linked dominant inheritance. Observed: 1 variant allele.
Comment: ACMG Criteria: PVS1,PM2_SUP,PP4